The following is an entry in ClinVar:

NM_006096.4(NDRG1):c.1082G>A (p.Arg361His)

Gene: NDRG1 (N-myc downstream regulated 1; minus strand). Cytogenetic location: 8q24.22.
Variant type: single nucleotide variant.
Coding change: c.1082G>A on transcript NM_006096.4 (MANE Select); coding-DNA position 1082, G replaced by A.
Protein change: p.Arg361His; replaces arginine 361 with histidine.
Molecular consequence: missense variant.
Genome position (GRCh38, 1-based): chr8:133,238,981, C>T on the plus strand (G>A on the coding strand, the complement: NDRG1 is on the minus strand). VCF-style: chr8-133238981-C-T. GRCh37 (hg19) VCF-style: chr8-134251224-C-T.
Other names: c.1082G>A, p.Arg361His (NM_001135242.2, NM_001374845.1, NM_001374846.1); c.884G>A, p.Arg295His (NM_001258432.2, NM_001374847.1); c.839G>A, p.Arg280His (NM_001258433.2); c.1133G>A, p.Arg378His (NM_001374844.1); short protein forms R280H, R361H, R295H, R378H.
Identifiers: ClinVar variation 1395010 (VCV001395010.3), dbSNP rs754767167, ClinGen allele CA4886429.

ClinVar aggregate classification (germline): Uncertain significance (1 of 4 stars; one submission).

Conditions:
Charcot-Marie-Tooth disease type 4. Also called: Charcot-Marie-Tooth, Type 4; Charcot-Marie-Tooth disease, type IV. Identifiers: Orphanet 64749, MedGen C4082197, MONDO:0018995.

Allele frequency attached by ClinVar (database versions not stated): gnomAD exomes 0.00003 and 0.00004; gnomAD 0.00004; TOPMed 0.00006; ExAC 0.00008.
gnomAD v4.1: 42 of 1,590,720 alleles (0.0026%); highest among the groups gnomAD compares: Admixed American, 0.0036%; no homozygotes.

Submission:

Labcorp Genetics (formerly Invitae), Labcorp
Classification: Uncertain significance for Charcot-Marie-Tooth disease type 4. Last evaluated: 2022-08-10. Review status: criteria provided, single submitter. Criteria: Invitae Variant Classification Sherloc (09022015). Collection method: clinical testing. Allele origin: germline.
Comment: This sequence change replaces arginine, which is basic and polar, with histidine, which is basic and polar, at codon 361 of the NDRG1 protein (p.Arg361His). This variant is present in population databases (rs754767167, gnomAD 0.007%). This variant has not been reported in the literature in individuals affected with NDRG1-related conditions. ClinVar contains an entry for this variant (Variation ID: 1395010). Algorithms developed to predict the effect of missense changes on protein structure and function are either unavailable or do not agree on the potential impact of this missense change (SIFT: "Deleterious"; PolyPhen-2: "Probably Damaging"; Align-GVGD: "Class C0"). In summary, the available evidence is currently insufficient to determine the role of this variant in disease. Therefore, it has been classified as a Variant of Uncertain Significance.